The following is an entry in ClinVar:

ClinVar aggregate classification (germline): Likely pathogenic (1 of 4 stars; one submission).

Conditions:
GNPTG-mucolipidosis. Also called: ML III GAMMA; ML IIIC; MUCOLIPIDOSIS III, COMPLEMENTATION GROUP C; MUCOLIPIDOSIS III, IRANIAN VARIANT FORM; MUCOLIPIDOSIS III, VARIANT FORM; Mucolipidosis type III gamma. Identifiers: Orphanet 423470, Orphanet 577, MedGen C1854896, MONDO:0009652, OMIM 252605.

Submission:

Natera, Inc.
Classification: Likely pathogenic for Mucolipidosis III gamma. Last evaluated: 2024-11-25. Review status: criteria provided, single submitter. Criteria: Natera Variant Classification Schema (03/2026). Collection method: clinical testing. Allele origin: germline.
Comment: The c.498_499insT variant in GNPTG is a frameshift variant predicted to shift the reading frame beginning at codon 167 and leads to a stop codon 32 codons downstream. This variant is expected to result in nonsense mediated decay, truncation, or a dysfunctional protein product. This variant is rare in the general population with a frequency below the threshold expected for the associated phenotype(s). Given the available evidence, this variant is classified as Likely Pathogenic.

NM_032520.5(GNPTG):c.498_499insT (p.Leu167fs)

Gene: GNPTG (N-acetylglucosamine-1-phosphate transferase subunit gamma; plus strand). Cytogenetic location: 16p13.3.
Variant type: Insertion.
Coding change: c.498_499insT on transcript NM_032520.5 (MANE Select); coding-DNA positions 498 to 499, T inserted.
Protein change: p.Leu167fs; shifts the reading frame from leucine 167.
Molecular consequence: frameshift variant.
Genome position: GRCh38 VCF-style: chr16-1362292-C-CT. GRCh37 (hg19) VCF-style: chr16-1412293-C-CT.
Other names: short protein forms L167fs.
Identifiers: ClinVar variation 4816338 (VCV004816338.1).